The following is an entry in ClinVar:

NM_182914.3(SYNE2):c.7579G>A (p.Glu2527Lys)

Gene: SYNE2 (spectrin repeat containing nuclear envelope protein 2; plus strand). Cytogenetic location: 14q23.2.
Variant type: single nucleotide variant.
Coding change: c.7579G>A on transcript NM_182914.3 (MANE Select); coding-DNA position 7579, G replaced by A.
Protein change: p.Glu2527Lys; replaces glutamic acid 2527 with lysine.
Molecular consequence: missense variant.
Genome position (GRCh38, 1-based): chr14:64,049,812, G>A. VCF-style: chr14-64049812-G-A. GRCh37 (hg19) VCF-style: chr14-64516530-G-A.
Other names: c.7579G>A, p.Glu2527Lys (NM_015180.6); short protein forms E2527K.
Identifiers: ClinVar variation 1358764 (VCV001358764.6), dbSNP rs1483967595, ClinGen allele CA389959168.
Genomic context (GRCh38, chr14:64,049,812, plus strand): 5'-GCACTTATTACTTTGAAGAAAAACAAAGAAAGCCAATATTGTGTCCTCAGAGATTTTCAG[G>A]AATACCTTGCTGCAGTTGAATCTTCAATGAAAGCCTTGTTGACAGACAAGGAAAGTCTTA-3'
Protein context (NP_878918.2, residues 2517-2537): SQYCVLRDFQ[Glu2527Lys]YLAAVESSMK

ClinVar aggregate classification (germline): Uncertain significance (1 of 4 stars; one submission).

Conditions:
Emery-Dreifuss muscular dystrophy 5, autosomal dominant (EDMD5). Also called: EMERY-DREIFUSS MUSCULAR DYSTROPHY 5. Identifiers: Orphanet 261, MedGen C2751805, MONDO:0013072, OMIM 612999.

Allele frequency attached by ClinVar (database versions not stated): gnomAD exomes below 0.00001; TOPMed 0.00001.
gnomAD v4.1: 4 of 1,614,096 alleles (0.00025%); highest among the groups gnomAD compares: Admixed American, 0.0017%; no homozygotes.

Submission:

Labcorp Genetics (formerly Invitae), Labcorp
Classification: Uncertain significance for Emery-Dreifuss muscular dystrophy 5, autosomal dominant. Last evaluated: 2025-07-11. Review status: criteria provided, single submitter. Criteria: Invitae Variant Classification Sherloc (09022015). Collection method: clinical testing. Allele origin: germline.
Comment: This sequence change replaces glutamic acid, which is acidic and polar, with lysine, which is basic and polar, at codon 2527 of the SYNE2 protein (p.Glu2527Lys). This variant is present in population databases (no rsID available, gnomAD 0.003%). This variant has not been reported in the literature in individuals affected with SYNE2-related conditions. ClinVar contains an entry for this variant (Variation ID: 1358764). An algorithm developed to predict the effect of missense changes on protein structure and function outputs the following: PolyPhen-2: "Benign". The lysine amino acid residue is found in multiple mammalian species, which suggests that this missense change does not adversely affect protein function. In summary, the available evidence is currently insufficient to determine the role of this variant in disease. Therefore, it has been classified as a Variant of Uncertain Significance.